The following is an entry in ClinVar:

NM_001244008.2(KIF1A):c.4255A>T (p.Ser1419Cys)

Gene: KIF1A (kinesin family member 1A; minus strand). Cytogenetic location: 2q37.3.
Variant type: single nucleotide variant.
Coding change: c.4255A>T on transcript NM_001244008.2 (MANE Select); coding-DNA position 4255, A replaced by T.
Protein change: p.Ser1419Cys; replaces serine 1419 with cysteine.
Molecular consequence: missense variant.
Genome position (GRCh38, 1-based): chr2:240,725,272, T>A on the plus strand (A>T on the coding strand, the complement: KIF1A is on the minus strand). VCF-style: chr2-240725272-T-A. GRCh37 (hg19) VCF-style: chr2-241664689-T-A.
Other names: c.3979A>T, p.Ser1327Cys (NM_001320705.2, NM_001379649.1); c.4006A>T, p.Ser1336Cys (NM_001330289.2); c.4054A>T, p.Ser1352Cys (NM_001330290.2, NM_001379648.1); c.4330A>T, p.Ser1444Cys (NM_001379631.1); c.4231A>T, p.Ser1411Cys (NM_001379632.1); c.4228A>T, p.Ser1410Cys (NM_001379633.1, NM_001379645.1); c.4081A>T, p.Ser1361Cys (NM_001379634.1); c.4078A>T, p.Ser1360Cys (NM_001379635.1, NM_001379646.1); and 7 more; short protein forms S1352C, S1356C, S1411C, S1444C, S1317C, S1327C, S1335C, S1343C.
Identifiers: ClinVar variation 2929481 (VCV002929481.3), dbSNP rs1388325896, ClinGen allele CA351306666.

ClinVar aggregate classification (germline): Uncertain significance (1 of 4 stars; one submission).

Conditions:
Neuropathy, hereditary sensory, type 2C. Also called: Hereditary sensory and autonomic neuropathy type IIC; KIF1A-Related HSAN2 (HSAN2C). Identifiers: Orphanet 970, MedGen C3280168, MONDO:0013634, OMIM 614213.
Hereditary spastic paraplegia 30. Identifiers: Orphanet 101010, MedGen C5235139, MONDO:0012476.
Intellectual disability, autosomal dominant 9 (NESCAVS). Also called: NESCAV SYNDROME; KIF1A-Related Neurodevelopmental Disorder. Identifiers: Orphanet 662367, MedGen C5393830, MONDO:0013656, OMIM 614255.

Allele frequency attached by ClinVar (database versions not stated): gnomAD exomes below 0.00001.
gnomAD v4.1: 2 of 1,599,230 alleles (0.00013%); highest among the groups gnomAD compares: Non-Finnish European, 0.00017%; no homozygotes.

Submission:

Labcorp Genetics (formerly Invitae), Labcorp
Classification: Uncertain significance for Hereditary spastic paraplegia 30; Neuropathy, hereditary sensory, type 2C; Intellectual disability, autosomal dominant 9. Last evaluated: 2023-12-03. Review status: criteria provided, single submitter. Criteria: Invitae Variant Classification Sherloc (09022015). Collection method: clinical testing. Allele origin: germline.
Comment: This sequence change replaces serine, which is neutral and polar, with cysteine, which is neutral and slightly polar, at codon 1318 of the KIF1A protein (p.Ser1318Cys). This variant is not present in population databases (gnomAD no frequency). This variant has not been reported in the literature in individuals affected with KIF1A-related conditions. An algorithm developed to predict the effect of missense changes on protein structure and function (PolyPhen-2) suggests that this variant is likely to be tolerated. In summary, the available evidence is currently insufficient to determine the role of this variant in disease. Therefore, it has been classified as a Variant of Uncertain Significance.